The following is an entry in ClinVar:

ClinVar aggregate classification (germline): Uncertain significance. Review status: criteria provided, multiple submitters, no conflicts (2 of 4 stars). 2 submissions from 2 submitters: Uncertain significance (2). Last evaluated 2025-08-11.

Conditions:
Cardiovascular phenotype. Identifiers: MedGen CN230736.
Glycogen storage disease, type II (IOPD). Also called: POMPE DISEASE, INFANTILE-ONSET; GLYCOGEN STORAGE DISEASE II, INFANTILE-ONSET; ACID ALPHA-GLUCOSIDASE DEFICIENCY, INFANTILE-ONSET; GAA DEFICIENCY, INFANTILE-ONSET; ACID MALTASE DEFICIENCY, INFANTILE-ONSET; GLYCOGENOSIS, GENERALIZED, CARDIAC FORM. Identifiers: Orphanet 365, MedGen C0017921, MONDO:0009290, OMIM 232300.

Allele frequency attached by ClinVar (database versions not stated): gnomAD exomes below 0.00001.
gnomAD v4.1: 8 of 1,610,598 alleles (0.0005%); highest among the groups gnomAD compares: South Asian, 0.0022%; no homozygotes.

Submissions (2):

Ambry Genetics
Classification: Uncertain significance for Cardiovascular phenotype. Last evaluated: 2025-08-11. Review status: criteria provided, single submitter. Criteria: Ambry Variant Classification Scheme 2023. Collection method: clinical testing. Allele origin: germline.

Labcorp Genetics (formerly Invitae), Labcorp
Classification: Uncertain significance for Glycogen storage disease, type II. Last evaluated: 2022-08-31. Review status: criteria provided, single submitter. Criteria: Invitae Variant Classification Sherloc (09022015). Collection method: clinical testing. Allele origin: germline.
Comment: This sequence change replaces serine, which is neutral and polar, with proline, which is neutral and non-polar, at codon 206 of the GAA protein (p.Ser206Pro). This variant is present in population databases (no rsID available, gnomAD 0.0009%). This variant has not been reported in the literature in individuals affected with GAA-related conditions. Advanced modeling of protein sequence and biophysical properties (such as structural, functional, and spatial information, amino acid conservation, physicochemical variation, residue mobility, and thermodynamic stability) performed at Invitae indicates that this missense variant is not expected to disrupt GAA protein function. In summary, the available evidence is currently insufficient to determine the role of this variant in disease. Therefore, it has been classified as a Variant of Uncertain Significance.

NM_000152.5(GAA):c.616T>C (p.Ser206Pro)

Gene: GAA (alpha glucosidase; plus strand). Cytogenetic location: 17q25.3.
Variant type: single nucleotide variant.
Coding change: c.616T>C on transcript NM_000152.5 (MANE Select); coding-DNA position 616, T replaced by C.
Protein change: p.Ser206Pro; replaces serine 206 with proline.
Molecular consequence: missense variant.
Genome position (GRCh38, 1-based): chr17:80,105,818, T>C. VCF-style: chr17-80105818-T-C. GRCh37 (hg19) VCF-style: chr17-78079617-T-C.
Other names: c.616T>C, p.Ser206Pro (NM_001079803.3, NM_001079804.3, NM_001406741.1 and 1 more transcripts); short protein forms S206P.
Identifiers: ClinVar variation 2419992 (VCV002419992.5), dbSNP rs1438918341, ClinGen allele CA401362303.
Genomic context (GRCh38, chr17:80,105,818, plus strand): 5'-CCAGCTAACAGGCGCTACGAGGTGCCCTTGGAGACCCCGCATGTCCACAGCCGGGCACCG[T>C]CCCCACTCTACAGCGTGGAGTTCTCCGAGGAGCCCTTCGGGGTGATCGTGCGCCGGCAGC-3'
Protein context (NP_000143.2, residues 196-216): ETPHVHSRAP[Ser206Pro]PLYSVEFSEE